The following is an entry in ClinVar:

ClinVar aggregate classification (germline): Uncertain significance (1 of 4 stars; one submission).

Conditions:
Cardiovascular phenotype. Identifiers: MedGen CN230736.

Submission:

Ambry Genetics
Classification: Uncertain significance for Cardiovascular phenotype. Last evaluated: 2024-12-20. Review status: criteria provided, single submitter. Criteria: Ambry Variant Classification Scheme 2023. Collection method: clinical testing. Allele origin: germline.
Comment: The p.R795W variant (also known as c.2383A>T), located in coding exon 14 of the SOS2 gene, results from an A to T substitution at nucleotide position 2383. The arginine at codon 795 is replaced by tryptophan, an amino acid with dissimilar properties. This amino acid position is conserved. In addition, the in silico prediction for this alteration is inconclusive. Based on the available evidence, the clinical significance of this variant remains unclear.

NM_006939.4(SOS2):c.2383A>T (p.Arg795Trp)

Gene: SOS2 (SOS Ras/Rho guanine nucleotide exchange factor 2; minus strand). Cytogenetic location: 14q21.3.
Variant type: single nucleotide variant.
Coding change: c.2383A>T on transcript NM_006939.4 (MANE Select); coding-DNA position 2383, A replaced by T.
Protein change: p.Arg795Trp; replaces arginine 795 with tryptophan.
Molecular consequence: missense variant.
Genome position (GRCh38, 1-based): chr14:50,150,009, T>A on the plus strand (A>T on the coding strand, the complement: SOS2 is on the minus strand). VCF-style: chr14-50150009-T-A. GRCh37 (hg19) VCF-style: chr14-50616727-T-A.
Other names: c.2284A>T, p.Arg762Trp (NM_001411020.1); short protein forms R795W, R762W.
Identifiers: ClinVar variation 3799914 (VCV003799914.1).
Genomic context (GRCh38, chr14:50,150,009, plus strand): 5'-AAATAGGTAATGTTCAAGATTCTTAAAAATAAAGCAAGACATTAACATTAATTGTCTACC[T>A]GTAAAGATCAGACTCCAAAAGTGTCAGCTGACGTGCAATTTCTATTGGATGAAGTGTCAT-3'
Protein context (NP_008870.2, residues 785-805): QLTLLESDLY[Arg795Trp]KVQPSELVGS